The following is an entry in ClinVar:

ClinVar aggregate classification (germline): Likely benign (1 of 4 stars; one submission).

Allele frequency attached by ClinVar (database versions not stated): 1000 Genomes Project 0.00280; 1000 Genomes Project 30x 0.00297; gnomAD 0.00346 and 0.00376; TOPMed 0.00377.
gnomAD v4.1: 521 of 152,316 alleles (0.34%); highest among the groups gnomAD compares: African/African-American, 1.2%; 3 homozygotes.

Submission:

GeneDx
Classification: Likely benign. Last evaluated: 2018-06-19. Review status: criteria provided, single submitter. Criteria: GeneDx Variant Classification (06012015). Collection method: clinical testing. Allele origin: germline. Affected: yes.
Comment: This variant is considered likely benign or benign based on one or more of the following criteria: it is a conservative change, it occurs at a poorly conserved position in the protein, it is predicted to be benign by multiple in silico algorithms, and/or has population frequency not consistent with disease.

NM_001134407.3(GRIN2A):c.1122+200G>C

Gene: GRIN2A (glutamate ionotropic receptor NMDA type subunit 2A; minus strand). Cytogenetic location: 16p13.2.
Variant type: single nucleotide variant.
Coding change: c.1122+200G>C on transcript NM_001134407.3 (MANE Select); 200 bases into the intron after coding-DNA position 1122, G replaced by C.
Molecular consequence: intron variant.
Genome position (GRCh38, 1-based): chr16:9,890,786, C>G on the plus strand (G>C on the coding strand, the complement: GRIN2A is on the minus strand). VCF-style: chr16-9890786-C-G. GRCh37 (hg19) VCF-style: chr16-9984643-C-G.
Other names: c.1122+200G>C (NM_001134408.2, NM_000833.5).
Identifiers: ClinVar variation 677526 (VCV000677526.1), dbSNP rs151171407, ClinGen allele CA278188133.
Genomic context (GRCh38, chr16:9,890,786, plus strand): 5'-TTAGTTCAGACCTTTCCTACTGGGATTTGAGAACAGACATACAGCGCACCACACAATTAC[C>G]ACAGTTCACCCAGAGAAAGCATTCCAATTGCACCTTACAGATTTAGTCTGCCTTGTTGCA-3'